The following is an entry in ClinVar:

NM_003995.4(NPR2):c.2756C>T (p.Pro919Leu)

Genes: NPR2 (natriuretic peptide receptor 2; plus strand), SPAG8 (sperm associated antigen 8; minus strand). Cytogenetic location: 9p13.3.
Variant type: single nucleotide variant.
Coding change: c.2756C>T on transcript NM_003995.4 (MANE Select); coding-DNA position 2756, C replaced by T.
Protein change: p.Pro919Leu; replaces proline 919 with leucine.
Molecular consequence: missense variant. On other transcripts: intron variant (2).
Genome position (GRCh38, 1-based): chr9:35,808,552, C>T. VCF-style: chr9-35808552-C-T. GRCh37 (hg19) VCF-style: chr9-35808549-C-T.
Other names: c.2765C>T, p.Pro922Leu (NM_001378923.1); c.1201-246G>A (NM_001366760.2); c.1373-246G>A (NM_172312.2); short protein forms P919L, P922L.
Identifiers: ClinVar variation 2185520 (VCV002185520.4), dbSNP rs748606293, ClinGen allele CA5052123.

ClinVar aggregate classification (germline): Uncertain significance (1 of 4 stars; one submission).

Conditions:
Acromesomelic dysplasia 1, Maroteaux type (AMD1). Also called: ST. HELENA DYSPLASIA; ACROMESOMELIC DYSPLASIA 1. Identifiers: Orphanet 40, MedGen C1864356, MONDO:0011275, OMIM 602875.
Tall stature-scoliosis-macrodactyly of the great toes syndrome. Also called: Epiphyseal chondrodysplasia, miura type. Identifiers: Orphanet 329191, MedGen C4014690, MONDO:0014401, OMIM 615923.

Allele frequency attached by ClinVar (database versions not stated): gnomAD exomes below 0.00001; TOPMed below 0.00001; ExAC 0.00001; gnomAD 0.00001.
gnomAD v4.1: 2 of 1,614,034 alleles (0.00012%); highest among the groups gnomAD compares: Non-Finnish European, 0.00017%; no homozygotes.

Submission:

Labcorp Genetics (formerly Invitae), Labcorp
Classification: Uncertain significance for Tall stature-scoliosis-macrodactyly of the great toes syndrome; Acromesomelic dysplasia 1, Maroteaux type. Last evaluated: 2022-01-19. Review status: criteria provided, single submitter. Criteria: Invitae Variant Classification Sherloc (09022015). Collection method: clinical testing. Allele origin: germline.
Comment: In summary, the available evidence is currently insufficient to determine the role of this variant in disease. Therefore, it has been classified as a Variant of Uncertain Significance. Algorithms developed to predict the effect of missense changes on protein structure and function (SIFT, PolyPhen-2, Align-GVGD) all suggest that this variant is likely to be disruptive. This variant has not been reported in the literature in individuals affected with NPR2-related conditions. This variant is present in population databases (rs748606293, gnomAD 0.0009%). This sequence change replaces proline, which is neutral and non-polar, with leucine, which is neutral and non-polar, at codon 919 of the NPR2 protein (p.Pro919Leu).